The following is an entry in ClinVar:

ClinVar aggregate classification (germline): Likely pathogenic (1 of 4 stars; one submission).

Conditions:
Waardenburg syndrome type 2E (WS2E). Also called: HYPOGONADOTROPIC HYPOGONADISM WITH ANOSMIA AND DEAFNESS, WITH OR WITHOUT HYPOPIGMENTATION; WAARDENBURG SYNDROME, TYPE 2E, WITH OR WITHOUT NEUROLOGIC INVOLVEMENT; WS2E, WITH OR WITHOUT NEUROLOGIC INVOLVEMENT. Identifiers: Orphanet 3440, MedGen C2700405, MONDO:0012698, OMIM 611584.
Waardenburg syndrome type 4C (WS4C). Also called: WAARDENBURG SYNDROME WITH HIRSCHSPRUNG DISEASE, TYPE 4C. Identifiers: Orphanet 897, MedGen C2750452, MONDO:0013202, OMIM 613266.

Submission:

Institute of Human Genetics, University of Goettingen
Classification: Likely pathogenic for Waardenburg syndrome type 2E; Waardenburg syndrome type 4C. Last evaluated: 2024-06-12. Review status: criteria provided, single submitter. Criteria: ACMG Guidelines, 2015. Collection method: clinical testing. Allele origin: maternal. Inheritance: Autosomal dominant inheritance. Affected: yes.
Comment: The variant c.255G>A (p.(Trp85Ter)) in exon 2 of the SOX10-gene is not found in the gnomAD database, it affects a moderately conserved nucleotide. The variation generates a 'Nonsense' as coding effect and the reading frame is interrupted by a premature STOP codon. ACMG criteria used for classification: PVS1, PM2_sup

NM_006941.4(SOX10):c.255G>A (p.Trp85Ter)

Genes: POLR2F (RNA polymerase II, I and III subunit F; plus strand), SOX10 (SRY-box transcription factor 10; minus strand). Cytogenetic location: 22q13.1.
Variant type: single nucleotide variant.
Coding change: c.255G>A on transcript NM_006941.4 (MANE Select); coding-DNA position 255, G replaced by A.
Protein change: p.Trp85Ter; replaces tryptophan 85 with a stop codon.
Molecular consequence: nonsense. On other transcripts: intron variant (3).
Genome position (GRCh38, 1-based): chr22:37,983,530, C>T on the plus strand (G>A on the coding strand, the complement: SOX10 is on the minus strand). VCF-style: chr22-37983530-C-T. GRCh37 (hg19) VCF-style: chr22-38379537-C-T.
Other names: c.*38+11220C>T (NM_001363825.1); c.294-2624C>T (NM_001301130.2); c.293+16360C>T (NM_001301131.2); short protein forms W85*.
Identifiers: ClinVar variation 3390920 (VCV003390920.2).